The following is an entry in ClinVar:

NM_002485.5(NBN):c.56del (p.Leu18_Leu19insTer)

Gene: NBN (nibrin; minus strand). Cytogenetic location: 8q21.3.
Variant type: Deletion.
Coding change: c.56del on transcript NM_002485.5 (MANE Select); coding-DNA position 56, one base deleted (T; older notation c.56delT).
Protein change: p.Leu18_Leu19insTer.
Molecular consequence: nonsense. On other transcripts: 5 prime UTR variant (1).
Genome position (GRCh38, 1-based): chr8:89,982,837, A deleted on the plus strand (T on the coding strand, the reverse complement: NBN is on the minus strand); the first of 4 consecutive A bases (chr8:89,982,837-89,982,840); deleting any one gives the same sequence. VCF-style (leftmost placement, unchanged base first): chr8-89982836-CA-C. GRCh37 (hg19) VCF-style: chr8-90995064-CA-C.
Other names: c.56delT (NM_002485.4); c.-241del (NM_001024688.3).
Identifiers: ClinVar variation 936065 (VCV000936065.8), dbSNP rs876659305, ClinGen allele CA1139660651.

ClinVar aggregate classification (germline): Pathogenic/Likely pathogenic. Review status: criteria provided, multiple submitters, no conflicts (2 of 4 stars). 2 submissions from 2 submitters: Pathogenic (1); Likely pathogenic (1). Last evaluated 2025-09-07.

Conditions:
Microcephaly, normal intelligence and immunodeficiency (NBS). Also called: BERLIN BREAKAGE SYNDROME; Immunodeficiency, microcephaly with normal intelligence; Ataxia telangiectasia variant V1; SEEMANOVA SYNDROME II; Nijmegen breakage syndrome; Microcephaly with normal intelligence immunodeficiency and lymphoreticular malignancies. Identifiers: Orphanet 647, MedGen C0398791, MONDO:0009623, OMIM 251260.

Submissions (2):

Natera, Inc.
Classification: Likely pathogenic for Nijmegen breakage syndrome. Last evaluated: 2025-09-07. Review status: criteria provided, single submitter. Criteria: Natera Variant Classification Schema (03/2026). Collection method: clinical testing. Allele origin: germline.
Comment: The c.56delT variant in NBN is a frameshift variant predicted to shift the reading frame and introduce a stop codon. This variant is expected to result in nonsense mediated decay, truncation, or a dysfunctional protein product. This variant is rare in the general population with a frequency below the threshold expected for the associated phenotype(s). Given the available evidence, this variant is classified as Likely Pathogenic.

Labcorp Genetics (formerly Invitae), Labcorp
Classification: Pathogenic for Microcephaly, normal intelligence and immunodeficiency. Last evaluated: 2021-09-29. Review status: criteria provided, single submitter. Criteria: Invitae Variant Classification Sherloc (09022015). Collection method: clinical testing. Allele origin: germline.
Comment: For these reasons, this variant has been classified as Pathogenic. This premature translational stop signal has been observed in individual(s) with prostate cancer (PMID: 27433846). This variant is not present in population databases (ExAC no frequency). This sequence change creates a premature translational stop signal (p.Leu19*) in the NBN gene. It is expected to result in an absent or disrupted protein product. Loss-of-function variants in NBN are known to be pathogenic (PMID: 9590180, 16415040).

Literature cited by the submitters: PubMed 27433846 (cited by Labcorp Genetics (formerly Invitae), Labcorp); PubMed 9590180 (cited by Labcorp Genetics (formerly Invitae), Labcorp); PubMed 16415040 (cited by Labcorp Genetics (formerly Invitae), Labcorp).